The following is an entry in ClinVar:

ClinVar aggregate classification (germline): Uncertain significance (1 of 4 stars; one submission).

Submission:

Labcorp Genetics (formerly Invitae), Labcorp
Classification: Uncertain significance. Last evaluated: 2026-01-12. Review status: criteria provided, single submitter. Criteria: Invitae Variant Classification Sherloc (09022015). Collection method: clinical testing. Allele origin: germline.
Comment: This sequence change replaces glutamic acid, which is acidic and polar, with aspartic acid, which is acidic and polar, at codon 34 of the TTBK2 protein (p.Glu34Asp). This variant is not present in population databases (gnomAD no frequency). This variant has not been reported in the literature in individuals affected with TTBK2-related conditions. Invitae Evidence Modeling of protein sequence and biophysical properties (such as structural, functional, and spatial information, amino acid conservation, physicochemical variation, residue mobility, and thermodynamic stability) indicates that this missense variant is expected to disrupt TTBK2 protein function with a positive predictive value of 80%. In summary, the available evidence is currently insufficient to determine the role of this variant in disease. Therefore, it has been classified as a Variant of Uncertain Significance.

NM_173500.4(TTBK2):c.102A>C (p.Glu34Asp)

Gene: TTBK2 (tau tubulin kinase 2; minus strand). Cytogenetic location: 15q15.2.
Variant type: single nucleotide variant.
Coding change: c.102A>C on transcript NM_173500.4 (MANE Select); coding-DNA position 102, A replaced by C.
Protein change: p.Glu34Asp; replaces glutamic acid 34 with aspartic acid.
Molecular consequence: missense variant.
Genome position (GRCh38, 1-based): chr15:42,872,726, T>G on the plus strand (A>C on the coding strand, the complement: TTBK2 is on the minus strand). VCF-style: chr15-42872726-T-G. GRCh37 (hg19) VCF-style: chr15-43164924-T-G.
Other names: short protein forms E34D.
Identifiers: ClinVar variation 4809803 (VCV004809803.1).